The following is an entry in ClinVar:

NM_000834.5(GRIN2B):c.3102G>C (p.Gln1034His)

Gene: GRIN2B (glutamate ionotropic receptor NMDA type subunit 2B; minus strand). Cytogenetic location: 12p13.1.
Variant type: single nucleotide variant.
Coding change: c.3102G>C on transcript NM_000834.5 (MANE Select); coding-DNA position 3102, G replaced by C.
Protein change: p.Gln1034His; replaces glutamine 1034 with histidine.
Molecular consequence: missense variant.
Genome position (GRCh38, 1-based): chr12:13,564,136, C>G on the plus strand (G>C on the coding strand, the complement: GRIN2B is on the minus strand). VCF-style: chr12-13564136-C-G. GRCh37 (hg19) VCF-style: chr12-13717070-C-G.
Other names: short protein forms Q1034H.
Identifiers: ClinVar variation 649385 (VCV000649385.1), dbSNP rs1204745546, ClinGen allele CA383990950.

ClinVar aggregate classification (germline): Uncertain significance (1 of 4 stars; one submission).

Conditions:
Intellectual developmental disorder, autosomal dominant 6, with or without seizures. Also called: Intellectual disability, autosomal dominant 6; GRIN2B-related developmental delay, intellectual disability and autism spectrum disorder. Identifiers: Orphanet 589547, MedGen C3151411, MONDO:0013509, OMIM 613970.
Developmental and epileptic encephalopathy, 27 (DEE27). Also called: GRIN2B-Related Neurodevelopmental Disorder; Epileptic encephalopathy, early infantile, 27. Identifiers: Orphanet 3451, MedGen C4015316, MONDO:0014505, OMIM 616139.

Submission:

Labcorp Genetics (formerly Invitae), Labcorp
Classification: Uncertain significance for Developmental and epileptic encephalopathy, 27; Mental retardation, autosomal dominant 6. Last evaluated: 2018-08-05. Review status: criteria provided, single submitter. Criteria: Invitae Variant Classification Sherloc (09022015). Collection method: clinical testing. Allele origin: germline.
Comment: This sequence change replaces glutamine with histidine at codon 1034 of the GRIN2B protein (p.Gln1034His). The glutamine residue is highly conserved and there is a small physicochemical difference between glutamine and histidine. This variant is not present in population databases (ExAC no frequency). This variant has not been reported in the literature in individuals with GRIN2B-related disease. Algorithms developed to predict the effect of missense changes on protein structure and function are either unavailable or do not agree on the potential impact of this missense change (SIFT: "Deleterious"; PolyPhen-2: "Benign"; Align-GVGD: "Class C0"). In summary, the available evidence is currently insufficient to determine the role of this variant in disease. Therefore, it has been classified as a Variant of Uncertain Significance.